The following is an entry in ClinVar:

ClinVar aggregate classification (germline): Conflicting classifications of pathogenicity. Review status: criteria provided, conflicting classifications (1 of 4 stars). 4 submissions from 4 submitters: Uncertain significance (2); Likely benign (2). Last evaluated 2026-02-01.

Conditions:
Inborn genetic diseases. Identifiers: MedGen C0950123, MeSH D030342.
Bethlem myopathy 1A. Also called: Bethlem myopathy 1; MYOPATHY, BENIGN CONGENITAL, WITH CONTRACTURES; Bethlem Muscular Dystrophy. Identifiers: Orphanet 610, MedGen CN029274, MONDO:0024530, OMIM 158810.

Allele frequency attached by ClinVar (database versions not stated): ExAC 0.00001; gnomAD exomes 0.00003 and 0.00013; 1000 Genomes Project 30x 0.00016; 1000 Genomes Project 0.00020; TOPMed 0.00028; gnomAD 0.00040.
gnomAD v4.1: 101 of 1,613,384 alleles (0.0063%); highest among the groups gnomAD compares: Admixed American, 0.17%; 2 homozygotes.

Submissions (4):

CeGaT Center for Human Genetics Tuebingen
Classification: Likely benign. Last evaluated: 2026-02-01. Review status: criteria provided, single submitter. Criteria: CeGaT Center For Human Genetics Tuebingen Variant Classification Criteria Version 2. Collection method: clinical testing. Allele origin: germline. Affected: yes. Observed: 2 variant alleles.
Comment: COL6A1: PM2, BS2

Labcorp Genetics (formerly Invitae), Labcorp
Classification: Likely benign for Bethlem myopathy 1A. Last evaluated: 2025-09-22. Review status: criteria provided, single submitter. Criteria: Invitae Variant Classification Sherloc (09022015). Collection method: clinical testing. Allele origin: germline.

Ambry Genetics
Classification: Uncertain significance for Inborn genetic diseases. Last evaluated: 2021-10-18. Review status: criteria provided, single submitter. Criteria: Ambry Variant Classification Scheme 2023. Collection method: clinical testing. Allele origin: germline.

Eurofins Ntd Llc (ga)
Classification: Uncertain significance. Last evaluated: 2018-04-19. Review status: criteria provided, single submitter. Criteria: EGL ClinVar v180209 classification definitions. Collection method: clinical testing. Allele origin: germline. Observed: 2 variant alleles, 2 heterozygotes.

NM_001848.3(COL6A1):c.1015T>C (p.Tyr339His)

Gene: COL6A1 (collagen type VI alpha 1 chain; plus strand). Cytogenetic location: 21q22.3.
Variant type: single nucleotide variant.
Coding change: c.1015T>C on transcript NM_001848.3 (MANE Select); coding-DNA position 1015, T replaced by C.
Protein change: p.Tyr339His; replaces tyrosine 339 with histidine.
Molecular consequence: missense variant.
Genome position (GRCh38, 1-based): chr21:45,990,785, T>C. VCF-style: chr21-45990785-T-C. GRCh37 (hg19) VCF-style: chr21-47410699-T-C.
Other names: short protein forms Y339H.
Identifiers: ClinVar variation 281934 (VCV000281934.24), dbSNP rs186775751, ClinGen allele CA10070036.